The following is an entry in ClinVar:

NM_003664.5(AP3B1):c.2129G>T (p.Gly710Val)

Gene: AP3B1 (adaptor related protein complex 3 subunit beta 1; minus strand). Cytogenetic location: 5q14.1.
Variant type: single nucleotide variant.
Coding change: c.2129G>T on transcript NM_003664.5 (MANE Select); coding-DNA position 2129, G replaced by T.
Protein change: p.Gly710Val; replaces glycine 710 with valine.
Molecular consequence: missense variant.
Genome position (GRCh38, 1-based): chr5:78,113,872, C>A on the plus strand (G>T on the coding strand, the complement: AP3B1 is on the minus strand). VCF-style: chr5-78113872-C-A. GRCh37 (hg19) VCF-style: chr5-77409696-C-A.
Other names: c.1982G>T, p.Gly661Val (NM_001271769.2); short protein forms G710V, G661V.
Identifiers: ClinVar variation 1366740 (VCV001366740.8), dbSNP rs777032367, ClinGen allele CA360183831.

ClinVar aggregate classification (germline): Uncertain significance (1 of 4 stars; one submission).

Conditions:
Hermansky-Pudlak syndrome 2 (HPS2). Also called: Platelet defects and oculocutaneous albinism. Identifiers: Orphanet 183678, Orphanet 79430, MedGen C1842362, MONDO:0011997, OMIM 608233.

Submission:

Labcorp Genetics (formerly Invitae), Labcorp
Classification: Uncertain significance for Hermansky-Pudlak syndrome 2. Last evaluated: 2021-08-08. Review status: criteria provided, single submitter. Criteria: Invitae Variant Classification Sherloc (09022015). Collection method: clinical testing. Allele origin: germline.
Comment: This sequence change replaces glycine with valine at codon 710 of the AP3B1 protein (p.Gly710Val). The glycine residue is weakly conserved and there is a moderate physicochemical difference between glycine and valine. This variant is not present in population databases (ExAC no frequency). This variant has not been reported in the literature in individuals affected with AP3B1-related conditions. Algorithms developed to predict the effect of missense changes on protein structure and function are either unavailable or do not agree on the potential impact of this missense change (SIFT: "Deleterious"; PolyPhen-2: "Benign"; Align-GVGD: "Class C0"). In summary, the available evidence is currently insufficient to determine the role of this variant in disease. Therefore, it has been classified as a Variant of Uncertain Significance.